The following is an entry in ClinVar:

ClinVar aggregate classification (germline): Uncertain significance. Review status: criteria provided, multiple submitters, no conflicts (2 of 4 stars). 4 submissions from 4 submitters: Uncertain significance (4). Last evaluated 2025-09-08.

Conditions:
TNFAIP3-related disorder. Also called: TNFAIP3-related condition.
Autoinflammatory syndrome, familial, Behcet-like 1 (AIFBL1). Also called: Haploinsufficiency of A20. Identifiers: Orphanet 674762, MedGen C4225218, MONDO:0800045, OMIM 616744.

Allele frequency attached by ClinVar (database versions not stated): gnomAD exomes below 0.00001; gnomAD 0.00001; TOPMed 0.00002.

Submissions (4):

Dasa
Classification: Uncertain significance for Autoinflammatory syndrome, familial, Behcet-like 1. Last evaluated: 2025-09-08. Review status: criteria provided, single submitter. Criteria: DASA Assertion Criteria. Collection method: clinical testing. Allele origin: germline.
Comment: NM_001270508.2(TNFAIP3):c.1864G>A (p.Gly622Ser) is a missense variant that results in the substitution of glycine with serine. This variant is rare in population databases. The currently available literature and clinical evidence are not sufficient to establish a definitive association between this variant and the reported condition. Therefore, this variant is classified as a variant of uncertain significance.

PreventionGenetics, part of Exact Sciences
Classification: Uncertain significance for TNFAIP3-related condition. Last evaluated: 2025-01-29. Review status: criteria provided, single submitter. Criteria: ACMG Guidelines, 2015. Collection method: clinical testing. Allele origin: germline.
Comment: The TNFAIP3 c.1864G>A variant is predicted to result in the amino acid substitution p.Gly622Ser. To our knowledge, this variant has not been reported in the literature. This variant is reported in 0.00078% of alleles in individuals of European (Non-Finnish) descent in gnomAD. At this time, the clinical significance of this variant is uncertain due to the absence of conclusive functional and genetic evidence.

Labcorp Genetics (formerly Invitae), Labcorp
Classification: Uncertain significance. Last evaluated: 2024-10-17. Review status: criteria provided, single submitter. Criteria: Invitae Variant Classification Sherloc (09022015). Collection method: clinical testing. Allele origin: germline.
Comment: This sequence change replaces glycine, which is neutral and non-polar, with serine, which is neutral and polar, at codon 622 of the TNFAIP3 protein (p.Gly622Ser). The frequency data for this variant in the population databases is considered unreliable, as metrics indicate poor data quality at this position in the gnomAD database. This variant has not been reported in the literature in individuals affected with TNFAIP3-related conditions. ClinVar contains an entry for this variant (Variation ID: 1012788). Invitae Evidence Modeling of protein sequence and biophysical properties (such as structural, functional, and spatial information, amino acid conservation, physicochemical variation, residue mobility, and thermodynamic stability) indicates that this missense variant is expected to disrupt TNFAIP3 protein function with a positive predictive value of 80%. In summary, the available evidence is currently insufficient to determine the role of this variant in disease. Therefore, it has been classified as a Variant of Uncertain Significance.

CeGaT Center for Human Genetics Tuebingen
Classification: Uncertain significance. Last evaluated: 2020-11-01. Review status: criteria provided, single submitter. Criteria: CeGaT Center For Human Genetics Tuebingen Variant Classification Criteria Version 2. Collection method: clinical testing. Allele origin: germline. Affected: yes. Observed: 1 variant allele.

NM_001270508.2(TNFAIP3):c.1864G>A (p.Gly622Ser)

Gene: TNFAIP3 (TNF alpha induced protein 3; plus strand). Cytogenetic location: 6q23.3.
Variant type: single nucleotide variant.
Coding change: c.1864G>A on transcript NM_001270508.2 (MANE Select); coding-DNA position 1864, G replaced by A.
Protein change: p.Gly622Ser; replaces glycine 622 with serine.
Molecular consequence: missense variant.
Genome position (GRCh38, 1-based): chr6:137,879,309, G>A. VCF-style: chr6-137879309-G-A. GRCh37 (hg19) VCF-style: chr6-138200446-G-A.
Other names: c.1864G>A (NM_006290.3); c.1864G>A, p.Gly622Ser (NM_001270507.2, NM_006290.4); short protein forms G622S.
Identifiers: ClinVar variation 1012788 (VCV001012788.44), dbSNP rs1356553444, ClinGen allele CA365793981.